The following is an entry in ClinVar:

ClinVar aggregate classification (germline): Conflicting classifications of pathogenicity. Review status: criteria provided, conflicting classifications (1 of 4 stars). 2 submissions from 2 submitters: Uncertain significance (1); Benign (1). Last evaluated 2025-09-28.

Conditions:
Insulin-dependent diabetes mellitus secretory diarrhea syndrome (IPEX). Also called: Immune dysregulation-polyendocrinopathy-enteropathy-X-linked syndrome; IMMUNODEFICIENCY, POLYENDOCRINOPATHY, AND ENTEROPATHY, X-LINKED; Immunodysregulation, polyendocrinopathy, and enteropathy, X-linked; DIABETES MELLITUS, CONGENITAL INSULIN-DEPENDENT, WITH FATAL SECRETORY DIARRHEA; DIARRHEA, POLYENDOCRINOPATHY, FATAL INFECTION SYNDROME, X-LINKED; ENTEROPATHY, AUTOIMMUNE, WITH HEMOLYTIC ANEMIA AND POLYENDOCRINOPATHY. Identifiers: Orphanet 37042, MedGen C0342288, MONDO:0010580, OMIM 304790. Disease mechanism: loss of function.

Allele frequency attached by ClinVar (database versions not stated): TOPMed below 0.00001; gnomAD 0.00001; gnomAD exomes 0.00007; ExAC 0.00008; 1000 Genomes Project 30x 0.00021; 1000 Genomes Project 0.00026.
gnomAD v4.1: 46 of 1,166,785 alleles (0.0039%); highest among the groups gnomAD compares: South Asian, 0.089%; no homozygotes.

Submissions (2):

Labcorp Genetics (formerly Invitae), Labcorp
Classification: Benign for Insulin-dependent diabetes mellitus secretory diarrhea syndrome. Last evaluated: 2025-09-28. Review status: criteria provided, single submitter. Criteria: Invitae Variant Classification Sherloc (09022015). Collection method: clinical testing. Allele origin: germline.

Foundation for Research in Genetics and Endocrinology, FRIGE's Institute of Human Genetics
Classification: Uncertain significance for Insulin-dependent diabetes mellitus secretory diarrhea syndrome. Last evaluated: 2023-09-28. Review status: criteria provided, single submitter. Criteria: ACMG Guidelines, 2015. Collection method: clinical testing. Allele origin: germline. Inheritance: X-linked recessive inheritance. Affected: yes. Observed: 1 hemizygote.
Comment: A hemizygous variation in exon 4 of the FOXP3 gene that results in the amino acid substitution of Tyrosine for Histidine at codon 121 was detected. The observed variant c.361C>T (p.His121Tyr) has been reported in the 1000 genomes and gnomAD database with MAF of 0.03 and 0.07% respectively. The in silico prediction of the variant is damaging by SIFT, CADD, REVEL and MVP. In summary, the variant meets our criteria to be classified as a variant of uncertain significance.

NM_014009.4(FOXP3):c.361C>T (p.His121Tyr)

Gene: FOXP3 (forkhead box P3; minus strand). Cytogenetic location: Xp11.23.
Variant type: single nucleotide variant.
Coding change: c.361C>T on transcript NM_014009.4 (MANE Select); coding-DNA position 361, C replaced by T.
Protein change: p.His121Tyr; replaces histidine 121 with tyrosine.
Molecular consequence: missense variant.
Genome position (GRCh38, 1-based): chrX:49,257,520, G>A on the plus strand (C>T on the coding strand, the complement: FOXP3 is on the minus strand). VCF-style: chrX-49257520-G-A. GRCh37 (hg19) VCF-style: chrX-49113977-G-A.
Other names: p.His121Tyr; c.256C>T, p.His86Tyr (NM_001114377.2); short protein forms H121Y, H86Y.
Identifiers: ClinVar variation 733194 (VCV000733194.11), dbSNP rs782640594, ClinGen allele CA10411817.